The following is an entry in ClinVar:

NM_002439.5(MSH3):c.792+2T>C

Gene: MSH3 (mutS homolog 3; plus strand). Cytogenetic location: 5q14.1.
Variant type: single nucleotide variant.
Coding change: c.792+2T>C on transcript NM_002439.5 (MANE Select); the canonical splice donor site of the intron after coding-DNA position 792, T replaced by C.
Molecular consequence: splice donor variant.
Genome position (GRCh38, 1-based): chr5:80,670,311, T>C. VCF-style: chr5-80670311-T-C. GRCh37 (hg19) VCF-style: chr5-79966130-T-C.
Identifiers: ClinVar variation 1761232 (VCV001761232.5), dbSNP rs2546721295, ClinGen allele CA360267041.

ClinVar aggregate classification (germline): Conflicting classifications of pathogenicity. Review status: criteria provided, conflicting classifications (1 of 4 stars). 2 submissions from 2 submitters: Likely pathogenic (1); Uncertain significance (1). Last evaluated 2025-08-13.

Conditions:
Hereditary cancer-predisposing syndrome. Also called: Neoplastic Syndromes, Hereditary; Tumor predisposition; Hereditary Cancer Syndrome; Hereditary neoplastic syndrome. Identifiers: Orphanet 140162, MedGen C0027672, MeSH D009386, MONDO:0015356.

Submissions (2):

Ambry Genetics
Classification: Uncertain significance for Hereditary cancer-predisposing syndrome. Last evaluated: 2025-08-13. Review status: criteria provided, single submitter. Criteria: Ambry Variant Classification Scheme 2023. Collection method: clinical testing. Allele origin: germline.
Comment: The c.792+2T>C intronic variant results from a T to C substitution two nucleotides after coding exon 4 in the MSH3 gene. This nucleotide position is highly conserved in available vertebrate species. In silico splice site analysis predicts that this alteration will weaken the native splice donor site. RNA studies have demonstrated that this alteration results in a transcript predicted to lead to a protein with an in-frame deletion of 71 amino acids; however, the exact functional impact of the deleted amino acids is unknown at this time (Ambry internal data). Alterations that disrupt the canonical splice site are expected to cause aberrant splicing, resulting in an abnormal protein or a transcript that is subject to nonsense-mediated mRNA decay; however, +2T>C alterations are capable of generating wild-type transcripts in some genomic contexts and should be interpreted with caution (Lin JH et al. Hum Mutat. 2019 10;40:1856-1873). Based on the available evidence, the clinical significance of this alteration remains unclear.

Labcorp Genetics (formerly Invitae), Labcorp
Classification: Likely pathogenic. Last evaluated: 2024-02-11. Review status: criteria provided, single submitter. Criteria: Invitae Variant Classification Sherloc (09022015). Collection method: clinical testing. Allele origin: germline.
Comment: This sequence change affects a donor splice site in intron 4 of the MSH3 gene. RNA analysis indicates that disruption of this splice site induces altered splicing and likely results in a shortened protein product. This variant is not present in population databases (gnomAD no frequency). This variant has not been reported in the literature in individuals affected with MSH3-related conditions. ClinVar contains an entry for this variant (Variation ID: 1761232). Studies have shown that disruption of this splice site results in skipping of exon 4, but is expected to preserve the integrity of the reading-frame (Invitae). In summary, the currently available evidence indicates that the variant is pathogenic, but additional data are needed to prove that conclusively. Therefore, this variant has been classified as Likely Pathogenic.